The following is an entry in ClinVar:

NM_000384.3(APOB):c.12343G>T (p.Val4115Phe)

Gene: APOB (apolipoprotein B; minus strand). Cytogenetic location: 2p24.1.
Variant type: single nucleotide variant.
Coding change: c.12343G>T on transcript NM_000384.3 (MANE Select); coding-DNA position 12343, G replaced by T.
Protein change: p.Val4115Phe; replaces valine 4115 with phenylalanine.
Molecular consequence: missense variant.
Genome position (GRCh38, 1-based): chr2:21,003,079, C>A on the plus strand (G>T on the coding strand, the complement: APOB is on the minus strand). VCF-style: chr2-21003079-C-A. GRCh37 (hg19) VCF-style: chr2-21225951-C-A.
Other names: short protein forms V4115F.
Identifiers: ClinVar variation 334078 (VCV000334078.38), dbSNP rs765681925, ClinGen allele CA049955.
Genomic context (GRCh38, chr2:21,003,079, plus strand): 5'-TGGCTGCTTTCTGGAACCTCACGTCGATATCATCAATTTGCCTAATGGCCCCTTGATAAA[C>A]CCACTCAGCATTGTTCTGCAGATTTCTTCTCAGCTTTGAAGACACTTCTCTCAGGGTGAG-3'
Protein context (NP_000375.3, residues 4105-4125): RRNLQNNAEW[Val4115Phe]YQGAIRQIDD

ClinVar aggregate classification (germline): Conflicting classifications of pathogenicity. Review status: criteria provided, conflicting classifications (1 of 4 stars). 6 submissions from 5 submitters: Uncertain significance (5); Likely benign (1). Last evaluated 2026-09-29.

Conditions:
Familial hypercholesterolemia. Also called: Familial hypercholesterolaemia; Familial hypercholesterolemias. Identifiers: MedGen C0020445, MONDO:0005439.
Cardiovascular phenotype. Identifiers: MedGen CN230736.
Familial hypobetalipoproteinemia 1. Also called: APOB-Related Familial Hypobetalipoproteinemia; Hypobetalipoproteinemia, normotriglyceridemic; Acanthocytosis with hypobetalipoproteinemia. Identifiers: MedGen C4551990, MONDO:0014252, OMIM 615558.
Hypercholesterolemia, autosomal dominant, type B (FHCL2). Also called: Familial hypercholesterolemia 2; APOB-Related Familial Hypercholesterolemia, Autosomal Dominant; APOLIPOPROTEIN B-100, FAMILIAL DEFECTIVE; APOLIPOPROTEIN B-100, FAMILIAL LIGAND-DEFECTIVE; Familial Hypercholesterolemia Type B; HYPERCHOLESTEROLEMIA, FAMILIAL, DUE TO LIGAND-DEFECTIVE APOLIPOPROTEIN B. Identifiers: MedGen C1704417, MONDO:0007751, OMIM 144010.

Allele frequency attached by ClinVar (database versions not stated): ExAC 0.00001; gnomAD exomes 0.00001 and 0.00003; TOPMed 0.00001.
gnomAD v4.1: 48 of 1,579,750 alleles (0.003%); highest among the groups gnomAD compares: Middle Eastern, 0.034%; no homozygotes.

Submissions (6):

Cambridge Genomics Laboratory, East Genomic Laboratory Hub, NHS Genomic Medicine Service
Classification: Uncertain significance for Familial hypercholesterolaemia. Last evaluated: 2026-09-29. Review status: criteria provided, single submitter. Criteria: ACGS Best Practice Guidelines for Variant Classification in Rare Disease 2020. Collection method: clinical testing. Allele origin: germline. Affected: yes.

Ambry Genetics
Classification: Uncertain significance for Cardiovascular phenotype. Last evaluated: 2025-05-08. Review status: criteria provided, single submitter. Criteria: Ambry Variant Classification Scheme 2023. Collection method: clinical testing. Allele origin: germline.
Comment: The p.V4115F variant (also known as c.12343G>T), located in coding exon 29 of the APOB gene, results from a G to T substitution at nucleotide position 12343. The valine at codon 4115 is replaced by phenylalanine, an amino acid with highly similar properties. This amino acid position is conserved. In addition, this alteration is predicted to be tolerated by in silico analysis. Since supporting evidence is limited at this time, the clinical significance of this alteration remains unclear.

CeGaT Center for Human Genetics Tuebingen
Classification: Likely benign. Last evaluated: 2023-05-01. Review status: criteria provided, single submitter. Criteria: CeGaT Center For Human Genetics Tuebingen Variant Classification Criteria Version 2. Collection method: clinical testing. Allele origin: germline. Affected: yes. Observed: 1 variant allele.
Comment: APOB: BP4

GeneDx
Classification: Uncertain significance. Last evaluated: 2020-03-20. Review status: criteria provided, single submitter. Criteria: GeneDx Variant Classification Process June 2021. Collection method: clinical testing. Allele origin: germline. Affected: yes.
Comment: Not observed at a significant frequency in large population cohorts (Lek et al., 2016); In silico analysis supports that this missense variant does not alter protein structure/function; Has not been previously published as pathogenic or benign to our knowledge

Illumina Laboratory Services, Illumina
Classification: Uncertain significance for Hypercholesterolemia, autosomal dominant, type B. Last evaluated: 2018-01-12. Review status: criteria provided, single submitter. Criteria: ICSL Variant Classification Criteria 13 December 2019. Collection method: clinical testing. Allele origin: germline.

Illumina Laboratory Services, Illumina
Classification: Uncertain significance for Familial hypobetalipoproteinemia 1. Last evaluated: 2018-01-12. Review status: criteria provided, single submitter. Criteria: ICSL Variant Classification Criteria 13 December 2019. Collection method: clinical testing. Allele origin: germline.